The following is an entry in ClinVar:

NM_006208.3(ENPP1):c.1946AGA[1] (p.Lys650del)

Gene: ENPP1 (ectonucleotide pyrophosphatase/phosphodiesterase 1; plus strand). Cytogenetic location: 6q23.2.
Variant type: Microsatellite.
Coding change: c.1946AGA[1] on transcript NM_006208.3 (MANE Select); one copy of the 3-base unit AGA starting at c.1946; the reference has two copies in a row; one copy, 3 bases deleted.
Protein change: p.Lys650del; deletes lysine 650.
Molecular consequence: inframe deletion.
Genome position (GRCh38, 1-based): chr6:131,879,883-131,879,885, AGA deleted; deleting any 3 consecutive bases within chr6:131,879,880-131,879,885 gives the same sequence; the position shown is the placement nearest the transcript's 3' end. VCF-style (leftmost placement, unchanged base first): chr6-131879879-GAGA-G. GRCh37 (hg19) VCF-style: chr6-132201019-GAGA-G.
Other names: short protein forms K650del.
Identifiers: ClinVar variation 4748364 (VCV004748364.1).
Genomic context (GRCh38, chr6:131,879,879, plus strand): 5'-CACACTATATATTATCATATAATGCACACTAACTACATTTATTTTCATCCTGTGACCCAA[GAGA>G]AGATTATTAAGCATGAAACTTTACCCTATGGAAGACCTAGAGTTCTCCAGAAGGAAAACA-3'

ClinVar aggregate classification (germline): Uncertain significance (1 of 4 stars; one submission).

Submission:

Labcorp Genetics (formerly Invitae), Labcorp
Classification: Uncertain significance. Last evaluated: 2025-09-29. Review status: criteria provided, single submitter. Criteria: Invitae Variant Classification Sherloc (09022015). Collection method: clinical testing. Allele origin: germline.
Comment: This variant, c.1949_1951del, results in the deletion of 1 amino acid(s) of the ENPP1 protein (p.Lys650del), but otherwise preserves the integrity of the reading frame. This variant is present in population databases (rs757287130, gnomAD 0.02%). This variant has not been reported in the literature in individuals affected with ENPP1-related conditions. Algorithms developed to predict the effect of sequence changes on RNA splicing suggest that this variant may disrupt the consensus splice site. In summary, the available evidence is currently insufficient to determine the role of this variant in disease. Therefore, it has been classified as a Variant of Uncertain Significance.